The following is an entry in ClinVar:

NM_020529.3(NFKBIA):c.592A>G (p.Ile198Val)

Gene: NFKBIA (NFKB inhibitor alpha; minus strand). Cytogenetic location: 14q13.2.
Variant type: single nucleotide variant.
Coding change: c.592A>G on transcript NM_020529.3 (MANE Select); coding-DNA position 592, A replaced by G.
Protein change: p.Ile198Val; replaces isoleucine 198 with valine.
Molecular consequence: missense variant.
Genome position (GRCh38, 1-based): chr14:35,402,815, T>C on the plus strand (A>G on the coding strand, the complement: NFKBIA is on the minus strand). VCF-style: chr14-35402815-T-C. GRCh37 (hg19) VCF-style: chr14-35872021-T-C.
Other names: short protein forms I198V.
Identifiers: ClinVar variation 2100036 (VCV002100036.4), dbSNP rs2502182510, ClinGen allele CA389452537.

ClinVar aggregate classification (germline): Uncertain significance (1 of 4 stars; one submission).

Conditions:
Ectodermal dysplasia and immunodeficiency 2. Identifiers: Orphanet 238468, Orphanet 98813, MedGen C2677481, MONDO:0012806, OMIM 612132.

Allele frequency attached by ClinVar (database versions not stated): gnomAD exomes below 0.00001.

Submission:

Labcorp Genetics (formerly Invitae), Labcorp
Classification: Uncertain significance for Ectodermal dysplasia and immunodeficiency 2. Last evaluated: 2024-05-21. Review status: criteria provided, single submitter. Criteria: Invitae Variant Classification Sherloc (09022015). Collection method: clinical testing. Allele origin: germline.
Comment: This sequence change replaces isoleucine, which is neutral and non-polar, with valine, which is neutral and non-polar, at codon 198 of the NFKBIA protein (p.Ile198Val). This variant is not present in population databases (gnomAD no frequency). This variant has not been reported in the literature in individuals affected with NFKBIA-related conditions. ClinVar contains an entry for this variant (Variation ID: 2100036). An algorithm developed to predict the effect of missense changes on protein structure and function (PolyPhen-2) suggests that this variant is likely to be tolerated. In summary, the available evidence is currently insufficient to determine the role of this variant in disease. Therefore, it has been classified as a Variant of Uncertain Significance.